The following is an entry in ClinVar:

NM_021930.6(RINT1):c.368A>G (p.Gln123Arg)

Gene: RINT1 (RAD50 interactor 1; plus strand). Cytogenetic location: 7q22.3.
Variant type: single nucleotide variant.
Coding change: c.368A>G on transcript NM_021930.6 (MANE Select); coding-DNA position 368, A replaced by G.
Protein change: p.Gln123Arg; replaces glutamine 123 with arginine.
Molecular consequence: missense variant. On other transcripts: 5 prime UTR variant (3), non-coding transcript variant (1).
Genome position (GRCh38, 1-based): chr7:105,542,502, A>G. VCF-style: chr7-105542502-A-G. GRCh37 (hg19) VCF-style: chr7-105182949-A-G.
Other names: c.134A>G, p.Gln45Arg (NM_001346599.2); c.-652A>G (NM_001346600.2); c.-555A>G (NM_001346601.2); c.-175A>G (NM_001346603.2); short protein forms Q45R, Q123R.
Identifiers: ClinVar variation 1733944 (VCV001733944.2), dbSNP rs2133373369, ClinGen allele CA368803246.

ClinVar aggregate classification (germline): Uncertain significance (1 of 4 stars; one submission).

Allele frequency attached by ClinVar (database versions not stated): gnomAD exomes below 0.00001.
gnomAD v4.1: 2 of 1,614,058 alleles (0.00012%); highest among the groups gnomAD compares: Non-Finnish European, 0.000085%; no homozygotes.

Submission:

Ambry Genetics
Classification: Uncertain significance. Last evaluated: 2022-04-08. Review status: criteria provided, single submitter. Criteria: Ambry Variant Classification Scheme 2023. Collection method: clinical testing. Allele origin: germline.
Comment: The p.Q123R variant (also known as c.368A>G), located in coding exon 4 of the RINT1 gene, results from an A to G substitution at nucleotide position 368. The glutamine at codon 123 is replaced by arginine, an amino acid with highly similar properties. This amino acid position is conserved. In addition, this alteration is predicted to be tolerated by in silico analysis. Since supporting evidence is limited at this time, the clinical significance of this alteration remains unclear.